The following is an entry in ClinVar:

NM_001846.4(COL4A2):c.2383C>T (p.Leu795Phe)

Gene: COL4A2 (collagen type IV alpha 2 chain; plus strand). Cytogenetic location: 13q34.
Variant type: single nucleotide variant.
Coding change: c.2383C>T on transcript NM_001846.4 (MANE Select); coding-DNA position 2383, C replaced by T.
Protein change: p.Leu795Phe; replaces leucine 795 with phenylalanine.
Molecular consequence: missense variant.
Genome position (GRCh38, 1-based): chr13:110,473,108, C>T. VCF-style: chr13-110473108-C-T. GRCh37 (hg19) VCF-style: chr13-111125455-C-T.
Other names: c.2383C>T (NM_001846.2); short protein forms L795F.
Identifiers: ClinVar variation 1424375 (VCV001424375.7), dbSNP rs1340849111, ClinGen allele CA388742621.

ClinVar aggregate classification (germline): Conflicting classifications of pathogenicity. Review status: criteria provided, conflicting classifications (1 of 4 stars). 2 submissions from 2 submitters: Uncertain significance (1); Likely benign (1). Last evaluated 2022-08-31.

Conditions:
Inborn genetic diseases. Identifiers: MedGen C0950123, MeSH D030342.

Allele frequency attached by ClinVar (database versions not stated): TOPMed below 0.00001; gnomAD exomes 0.00002.
gnomAD v4.1: 23 of 1,562,978 alleles (0.0015%); highest among the groups gnomAD compares: Middle Eastern, 0.017%; no homozygotes.

Submissions (2):

Labcorp Genetics (formerly Invitae), Labcorp
Classification: Uncertain significance. Last evaluated: 2022-08-31. Review status: criteria provided, single submitter. Criteria: Invitae Variant Classification Sherloc (09022015). Collection method: clinical testing. Allele origin: germline.
Comment: This sequence change replaces leucine with phenylalanine at codon 795 of the COL4A2 protein (p.Leu795Phe). The leucine residue is moderately conserved and there is a small physicochemical difference between leucine and phenylalanine. This variant is not present in population databases (gnomAD no frequency). This missense change has been observed in individual(s) with clinical features of COL4A2-related conditions (Invitae). Advanced modeling of protein sequence and biophysical properties (such as structural, functional, and spatial information, amino acid conservation, physicochemical variation, residue mobility, and thermodynamic stability) performed at Invitae indicates that this missense variant is not expected to disrupt COL4A2 protein function. In summary, the available evidence is currently insufficient to determine the role of this variant in disease. Therefore, it has been classified as a Variant of Uncertain Significance. ClinVar contains an entry for this variant (Variation ID: 1424375).

Ambry Genetics
Classification: Likely benign for Inborn genetic diseases. Last evaluated: 2022-01-18. Review status: criteria provided, single submitter. Criteria: Ambry Variant Classification Scheme 2023. Collection method: clinical testing. Allele origin: germline.